The following is an entry in ClinVar:

NM_000222.3(KIT):c.434A>C (p.Asn145Thr)

Gene: KIT (KIT proto-oncogene, receptor tyrosine kinase; plus strand). Cytogenetic location: 4q12.
Variant type: single nucleotide variant.
Coding change: c.434A>C on transcript NM_000222.3 (MANE Select); coding-DNA position 434, A replaced by C.
Protein change: p.Asn145Thr; replaces asparagine 145 with threonine.
Molecular consequence: missense variant.
Genome position (GRCh38, 1-based): chr4:54,698,380, A>C. VCF-style: chr4-54698380-A-C. GRCh37 (hg19) VCF-style: chr4-55564546-A-C.
Other names: c.434A>C, p.Asn145Thr (NM_001093772.2, NM_001385284.1, NM_001385285.1 and 4 more transcripts); short protein forms N145T.
Identifiers: ClinVar variation 1502361 (VCV001502361.8), dbSNP rs1003144287, ClinGen allele CA356897576.

ClinVar aggregate classification (germline): Uncertain significance (1 of 4 stars; one submission).

Conditions:
Gastrointestinal stromal tumor. Also called: Gastrointestinal stroma tumor; Gastrointestinal stromal tumor, somatic. Identifiers: Orphanet 44890, MedGen C0238198, MeSH D046152, MONDO:0011719, OMIM 606764, HP:0100723.

Submission:

Labcorp Genetics (formerly Invitae), Labcorp
Classification: Uncertain significance for Gastrointestinal stromal tumor. Last evaluated: 2021-01-13. Review status: criteria provided, single submitter. Criteria: Invitae Variant Classification Sherloc (09022015). Collection method: clinical testing. Allele origin: germline.
Comment: In summary, the available evidence is currently insufficient to determine the role of this variant in disease. Therefore, it has been classified as a Variant of Uncertain Significance. Algorithms developed to predict the effect of missense changes on protein structure and function are either unavailable or do not agree on the potential impact of this missense change (SIFT: "Deleterious"; PolyPhen-2: "Benign"; Align-GVGD: "Class C0"). This variant has not been reported in the literature in individuals with KIT-related conditions. This variant is not present in population databases (ExAC no frequency). This sequence change replaces asparagine with threonine at codon 145 of the KIT protein (p.Asn145Thr). The asparagine residue is highly conserved and there is a small physicochemical difference between asparagine and threonine.